The following is an entry in ClinVar:

ClinVar aggregate classification (germline): Uncertain significance (1 of 4 stars; one submission).

Allele frequency attached by ClinVar (database versions not stated): ExAC 0.00001.
gnomAD v4.1: 9 of 1,613,938 alleles (0.00056%); highest among the groups gnomAD compares: Non-Finnish European, 0.00076%; no homozygotes.

Submission:

Labcorp Genetics (formerly Invitae), Labcorp
Classification: Uncertain significance. Last evaluated: 2022-07-29. Review status: criteria provided, single submitter. Criteria: Invitae Variant Classification Sherloc (09022015). Collection method: clinical testing. Allele origin: germline.
Comment: Algorithms developed to predict the effect of missense changes on protein structure and function are either unavailable or do not agree on the potential impact of this missense change (SIFT: "Deleterious"; PolyPhen-2: "Not Available"; Align-GVGD: "Class C0"). This sequence change replaces glutamine, which is neutral and polar, with glutamic acid, which is acidic and polar, at codon 2975 of the PCLO protein (p.Gln2975Glu). This variant is present in population databases (rs776199106, gnomAD 0.0009%). This variant has not been reported in the literature in individuals affected with PCLO-related conditions. ClinVar contains an entry for this variant (Variation ID: 1431246). In summary, the available evidence is currently insufficient to determine the role of this variant in disease. Therefore, it has been classified as a Variant of Uncertain Significance.

NM_033026.6(PCLO):c.8923C>G (p.Gln2975Glu)

Gene: PCLO (piccolo presynaptic cytomatrix protein; minus strand). Cytogenetic location: 7q21.11.
Variant type: single nucleotide variant.
Coding change: c.8923C>G on transcript NM_033026.6 (MANE Select); coding-DNA position 8923, C replaced by G.
Protein change: p.Gln2975Glu; replaces glutamine 2975 with glutamic acid.
Molecular consequence: missense variant.
Genome position (GRCh38, 1-based): chr7:82,952,030, G>C on the plus strand (C>G on the coding strand, the complement: PCLO is on the minus strand). VCF-style: chr7-82952030-G-C. GRCh37 (hg19) VCF-style: chr7-82581346-G-C.
Other names: c.8923C>G, p.Gln2975Glu (NM_014510.3); short protein forms Q2975E.
Identifiers: ClinVar variation 1431246 (VCV001431246.8), dbSNP rs776199106, ClinGen allele CA4320033.